The following is an entry in ClinVar:

NM_003545.4(H4C5):c.27G>A (p.Lys9=)

Genes: H4C5 (H4 clustered histone 5; plus strand), LOC129996027 (ATAC-STARR-seq lymphoblastoid active region 24208; plus strand). Cytogenetic location: 6p22.2.
Variant type: single nucleotide variant.
Coding change: c.27G>A on transcript NM_003545.4 (MANE Select); coding-DNA position 27, G replaced by A.
Protein change: p.Lys9=; no amino-acid change (lysine 9 retained).
Molecular consequence: synonymous variant.
Genome position (GRCh38, 1-based): chr6:26,204,671, G>A. VCF-style: chr6-26204671-G-A. GRCh37 (hg19) VCF-style: chr6-26204899-G-A.
Identifiers: ClinVar variation 3778217 (VCV003778217.7).

ClinVar aggregate classification (germline): Likely benign (1 of 4 stars; one submission).

Submission:

CeGaT Center for Human Genetics Tuebingen
Classification: Likely benign. Last evaluated: 2025-03-01. Review status: criteria provided, single submitter. Criteria: CeGaT Center For Human Genetics Tuebingen Variant Classification Criteria Version 2. Collection method: clinical testing. Allele origin: germline. Affected: yes. Observed: 1 variant allele.
Comment: H4C5: BP4, BP7